The following is an entry in ClinVar:

ClinVar aggregate classification (germline): Likely pathogenic. Review status: criteria provided, multiple submitters, no conflicts (2 of 4 stars). 3 submissions from 3 submitters: Likely pathogenic (3). Last evaluated 2025-01-07.

Conditions:
Polycystic kidney disease, adult type (PKD1). Also called: Polycystic Kidney Disease 1, Autosomal Dominant; Polycystic kidney disease 1; Polycystic kidney disease 1, severe; Polycystic Kidney, Autosomal Dominant; POLYCYSTIC KIDNEY DISEASE, ADULT, TYPE I; POLYCYSTIC KIDNEY DISEASE 1 WITH OR WITHOUT POLYCYSTIC LIVER DISEASE. Identifiers: MedGen C3149841, MONDO:0008263, OMIM 173900.
Autosomal dominant polycystic kidney disease. Identifiers: Orphanet 730, MedGen C0085413, MONDO:0004691.

Submissions (3):

Molecular Genetics, Royal Melbourne Hospital
Classification: Likely pathogenic for Autosomal dominant polycystic kidney disease. Last evaluated: 2025-01-07. Review status: criteria provided, single submitter. Criteria: ACMG Guidelines, 2015. Collection method: clinical testing. Allele origin: germline. Inheritance: Autosomal dominant inheritance. Affected: yes.
Comment: This sequence change in PKD1 is predicted to replace arginine with proline at codon 4228, p.(Arg4228Pro). The arginine residue is highly conserved (100 vertebrates, Multiz Alignments), and is located in the coiled-coil domain. There is a large physicochemical difference between arginine and proline. This variant is absent from the population database gnomAD v4.1. This variant has been reported in four unrelated probands with autosomal dominant polycystic kidney disease (ADPKD; PMID: 19686598; ClinVar ID: SCV000575027.6; ADPKD Variant Database). At least one individual with this variant had a family history of ADPKD and displayed multiple renal cysts on ultrasound, which is highly specific for ADPKD (Royal Melbourne Hospital). Computational evidence predicts a benign effect for the missense substitution (REVEL = 0.158) and has an uninformative predicted impact on splicing (SpliceAI) for the nucleotide change. Based on the classification scheme RMH Modified ACMG/AMP Guidelines v1.7.1, this variant is classified as LIKELY PATHOGENIC. Following criteria are met: PP4_Strong, PS4, PM2_Supporting, BP4

Fulgent Genetics
Classification: Likely pathogenic for Polycystic kidney disease, adult type. Last evaluated: 2024-02-14. Review status: criteria provided, single submitter. Criteria: ACMG Guidelines, 2015. Collection method: clinical testing. Allele origin: germline.

CeGaT Center for Human Genetics Tuebingen
Classification: Likely pathogenic. Last evaluated: 2016-11-30. Review status: criteria provided, single submitter. Criteria: Praxis fuer Humangenetik Tuebingen - Variant Classification Criteria. Collection method: clinical testing. Allele origin: germline. Affected: yes. Observed: 2 variant alleles.

Literature cited by the submitters: PubMed 19686598 (cited by Molecular Genetics, Royal Melbourne Hospital).

NM_001009944.3(PKD1):c.12683G>C (p.Arg4228Pro)

Gene: PKD1 (polycystin 1, transient receptor potential channel interacting; minus strand). Cytogenetic location: 16p13.3.
Variant type: single nucleotide variant.
Coding change: c.12683G>C on transcript NM_001009944.3 (MANE Select); coding-DNA position 12683, G replaced by C.
Protein change: p.Arg4228Pro; replaces arginine 4228 with proline.
Molecular consequence: missense variant.
Genome position (GRCh38, 1-based): chr16:2,089,956, C>G on the plus strand (G>C on the coding strand, the complement: PKD1 is on the minus strand). VCF-style: chr16-2089956-C-G. GRCh37 (hg19) VCF-style: chr16-2139957-C-G.
Other names: c.12680G>C, p.Arg4227Pro (NM_000296.4); short protein forms R4228P, R4227P.
Identifiers: ClinVar variation 425086 (VCV000425086.5), dbSNP rs1064797205, ClinGen allele CA16621682.